The following is an entry in ClinVar:

ClinVar aggregate classification (germline): Uncertain significance. Review status: criteria provided, multiple submitters, no conflicts (2 of 4 stars). 2 submissions from 2 submitters: Uncertain significance (2). Last evaluated 2025-03-01.

Conditions:
Inborn genetic diseases. Identifiers: MedGen C0950123, MeSH D030342.

Allele frequency attached by ClinVar (database versions not stated): gnomAD 0.00003; TOPMed 0.00003.
gnomAD v4.1: 24 of 1,614,030 alleles (0.0015%); highest among the groups gnomAD compares: African/African-American, 0.016%; 1 homozygote.

Submissions (2):

Ambry Genetics
Classification: Uncertain significance for Inborn genetic diseases. Last evaluated: 2025-03-01. Review status: criteria provided, single submitter. Criteria: Ambry Variant Classification Scheme 2023. Collection method: clinical testing. Allele origin: germline.

Labcorp Genetics (formerly Invitae), Labcorp
Classification: Uncertain significance. Last evaluated: 2024-10-22. Review status: criteria provided, single submitter. Criteria: Invitae Variant Classification Sherloc (09022015). Collection method: clinical testing. Allele origin: germline.
Comment: This sequence change replaces serine, which is neutral and polar, with threonine, which is neutral and polar, at codon 36 of the INTU protein (p.Ser36Thr). This variant is not present in population databases (gnomAD no frequency). This variant has not been reported in the literature in individuals affected with INTU-related conditions. ClinVar contains an entry for this variant (Variation ID: 1923341). Invitae Evidence Modeling of protein sequence and biophysical properties (such as structural, functional, and spatial information, amino acid conservation, physicochemical variation, residue mobility, and thermodynamic stability) indicates that this missense variant is not expected to disrupt INTU protein function with a negative predictive value of 80%. In summary, the available evidence is currently insufficient to determine the role of this variant in disease. Therefore, it has been classified as a Variant of Uncertain Significance.

NM_015693.4(INTU):c.107G>C (p.Ser36Thr)

Gene: INTU (inturned planar cell polarity protein; plus strand). Cytogenetic location: 4q28.1.
Variant type: single nucleotide variant.
Coding change: c.107G>C on transcript NM_015693.4 (MANE Select); coding-DNA position 107, G replaced by C.
Protein change: p.Ser36Thr; replaces serine 36 with threonine.
Molecular consequence: missense variant.
Genome position (GRCh38, 1-based): chr4:127,633,141, G>C. VCF-style: chr4-127633141-G-C. GRCh37 (hg19) VCF-style: chr4-128554296-G-C.
Other names: c.107G>C (NM_015693.3); short protein forms S36T.
Identifiers: ClinVar variation 1923341 (VCV001923341.6), dbSNP rs536665382, ClinGen allele CA3074707.